The following is an entry in ClinVar:

ClinVar aggregate classification (germline): Uncertain significance. Review status: criteria provided, multiple submitters, no conflicts (2 of 4 stars). 2 submissions from 2 submitters: Uncertain significance (2). Last evaluated 2022-11-17.

Conditions:
Autosomal dominant Parkinson disease 8. Also called: LRRK2-Related Parkinson Disease; Parkinson disease 8; Parkinson disease 8, susceptibility to. Identifiers: Orphanet 411602, MedGen C1846862, MONDO:0011764, OMIM 607060.
Inborn genetic diseases. Identifiers: MedGen C0950123, MeSH D030342.

Allele frequency attached by ClinVar (database versions not stated): gnomAD exomes 0.00002 and 0.00001; TOPMed 0.00002.
gnomAD v4.1: 7 of 1,613,204 alleles (0.00043%); highest among the groups gnomAD compares: Admixed American, 0.01%; no homozygotes.

Submissions (2):

Ambry Genetics
Classification: Uncertain significance for Inborn genetic diseases. Last evaluated: 2022-11-17. Review status: criteria provided, single submitter. Criteria: Ambry Variant Classification Scheme 2023. Collection method: clinical testing. Allele origin: germline.
Comment: The p.V401M variant (also known as c.1201G>A), located in coding exon 11 of the LRRK2 gene, results from a G to A substitution at nucleotide position 1201. The valine at codon 401 is replaced by methionine, an amino acid with highly similar properties. This amino acid position is conserved. In addition, this alteration is predicted to be tolerated by in silico analysis. Since supporting evidence is limited at this time, the clinical significance of this alteration remains unclear.

Labcorp Genetics (formerly Invitae), Labcorp
Classification: Uncertain significance for Autosomal dominant Parkinson disease 8. Last evaluated: 2017-07-13. Review status: criteria provided, single submitter. Criteria: Invitae Variant Classification Sherloc (09022015). Collection method: clinical testing. Allele origin: germline.
Comment: In summary, the available evidence is currently insufficient to determine the role of this variant in disease. Therefore, it has been classified as a Variant of Uncertain Significance. Algorithms developed to predict the effect of missense changes on protein structure and function (SIFT, PolyPhen-2, Align-GVGD) all suggest that this variant is likely to be tolerated, but these predictions have not been confirmed by published functional studies and their clinical significance is uncertain. This variant has not been reported in the literature in individuals with LRRK2-related disease. This variant is not present in population databases (ExAC no frequency). This sequence change replaces valine with methionine at codon 401 of the LRRK2 protein (p.Val401Met). The valine residue is weakly conserved and there is a small physicochemical difference between valine and methionine.

NM_198578.4(LRRK2):c.1201G>A (p.Val401Met)

Gene: LRRK2 (leucine rich repeat kinase 2; plus strand). Cytogenetic location: 12q12.
Variant type: single nucleotide variant.
Coding change: c.1201G>A on transcript NM_198578.4 (MANE Select); coding-DNA position 1201, G replaced by A.
Protein change: p.Val401Met; replaces valine 401 with methionine.
Molecular consequence: missense variant.
Genome position (GRCh38, 1-based): chr12:40,252,929, G>A. VCF-style: chr12-40252929-G-A. GRCh37 (hg19) VCF-style: chr12-40646731-G-A.
Other names: short protein forms V401M.
Identifiers: ClinVar variation 465214 (VCV000465214.10), dbSNP rs1479574336, ClinGen allele CA384409214.